The following is an entry in ClinVar:

ClinVar aggregate classification (germline): Likely benign (0 of 4 stars; one submission).

Conditions:
BMS1-related disorder. Also called: BMS1-related condition.

Allele frequency attached by ClinVar (database versions not stated): gnomAD exomes 0.00003; ExAC 0.00005.
gnomAD v4.1: 38 of 1,614,112 alleles (0.0024%); highest among the groups gnomAD compares: South Asian, 0.021%; 1 homozygote.

Submission:

PreventionGenetics, part of Exact Sciences
Classification: Likely benign for BMS1-related condition. Last evaluated: 2019-11-20. Review status: no assertion criteria provided. Collection method: clinical testing. Allele origin: germline.
Comment: This variant is classified as likely benign based on ACMG/AMP sequence variant interpretation guidelines (Richards et al. 2015 PMID: 25741868, with internal and published modifications).

NM_014753.4(BMS1):c.1515C>T (p.Asp505=)

Gene: BMS1 (BMS1 ribosome biogenesis factor; plus strand). Cytogenetic location: 10q11.21.
Variant type: single nucleotide variant.
Coding change: c.1515C>T on transcript NM_014753.4 (MANE Select); coding-DNA position 1515, C replaced by T.
Protein change: p.Asp505=; no amino-acid change (aspartic acid 505 retained).
Molecular consequence: synonymous variant.
Genome position (GRCh38, 1-based): chr10:42,796,759, C>T. VCF-style: chr10-42796759-C-T. GRCh37 (hg19) VCF-style: chr10-43292207-C-T.
Identifiers: ClinVar variation 3048898 (VCV003048898.2), dbSNP rs751387779, ClinGen allele CA5475777.